The following is an entry in ClinVar:

NM_001128178.3(NPHP1):c.1842A>G (p.Leu614=)

Gene: NPHP1 (nephrocystin 1; minus strand). Cytogenetic location: 2q13.
Variant type: single nucleotide variant.
Coding change: c.1842A>G on transcript NM_001128178.3 (MANE Select); coding-DNA position 1842, A replaced by G.
Protein change: p.Leu614=; no amino-acid change (leucine 614 retained).
Molecular consequence: synonymous variant. On other transcripts: 3 prime UTR variant (1).
Genome position (GRCh38, 1-based): chr2:110,123,983, T>C on the plus strand (A>G on the coding strand, the complement: NPHP1 is on the minus strand). VCF-style: chr2-110123983-T-C. GRCh37 (hg19) VCF-style: chr2-110881560-T-C.
Other names: c.2010A>G, p.Leu670= (NM_000272.5); c.1653A>G, p.Leu551= (NM_001128179.3); c.1839A>G, p.Leu613= (NM_001374256.1); c.*84A>G (NM_001374257.1); c.2007A>G, p.Leu669= (NM_207181.4); c.2010A>G (NM_000272.3).
Identifiers: ClinVar variation 2140173 (VCV002140173.5), dbSNP rs778988243, ClinGen allele CA1826859.
Genomic context (GRCh38, chr2:110,123,983, plus strand): 5'-GTCAGTGATAACTTTCCACCGTGCAGTCTCAGTCTCTTCTTCTGCCCACCTGAATGGGGG[T>C]AGGCGTGTGGAGTGGAGAAGTGGGAGCACGCAGTCATGGTAAACCAGGAGAAACGTGGAC-3'
Protein context (NP_001121650.1, residues 604-624): CVLPLLHSTR[Leu614=]PPFRWAEEET

ClinVar aggregate classification (germline): Likely benign. Review status: criteria provided, single submitter (1 of 4 stars). 2 submissions from 2 submitters: Likely benign (1). 1 of the submissions does not count toward it. Last evaluated 2025-09-29.

Conditions:
Nephronophthisis. Also called: Juvenile Nephronophthisis. Identifiers: Orphanet 655, MedGen C0687120, MONDO:0019005, HP:0000090.
NPHP1-related disorder. Also called: NPHP1-related disorders; NPHP1-related condition.

Allele frequency attached by ClinVar (database versions not stated): gnomAD 0.00001; TOPMed 0.00001; gnomAD exomes 0.00002; ExAC 0.00004.
gnomAD v4.1: 33 of 1,613,814 alleles (0.002%); highest among the groups gnomAD compares: South Asian, 0.029%; no homozygotes.

Submissions (2):

Labcorp Genetics (formerly Invitae), Labcorp
Classification: Likely benign for Nephronophthisis. Last evaluated: 2025-09-29. Review status: criteria provided, single submitter. Criteria: Invitae Variant Classification Sherloc (09022015). Collection method: clinical testing. Allele origin: germline.

PreventionGenetics, part of Exact Sciences
Classification: Likely benign for NPHP1-related condition. Last evaluated: 2024-09-05. Review status: no assertion criteria provided. Collection method: clinical testing. Allele origin: germline. Not counted in ClinVar's aggregate classification.
Comment: This variant is classified as likely benign based on ACMG/AMP sequence variant interpretation guidelines (Richards et al. 2015 PMID: 25741868, with internal and published modifications).